The following is an entry in ClinVar:

ClinVar aggregate classification (germline): Uncertain significance (1 of 4 stars; one submission).

Conditions:
Episodic ataxia type 2 (EA2). Also called: ACETAZOLAMIDE-RESPONSIVE HEREDITARY PAROXYSMAL CEREBELLAR ATAXIA; ATAXIA, EPISODIC, WITH NYSTAGMUS; ATAXIA, FAMILIAL PAROXYSMAL; CEREBELLAR ATAXIA, PAROXYSMAL, ACETAZOLAMIDE-RESPONSIVE; CEREBELLOPATHY, HEREDITARY PAROXYSMAL; EPISODIC ATAXIA, NYSTAGMUS-ASSOCIATED. Identifiers: Orphanet 97, MedGen C1720416, MONDO:0007163, OMIM 108500.
Developmental and epileptic encephalopathy, 42 (DEE42A). Also called: Epileptic encephalopathy, early infantile, 42; DEVELOPMENTAL AND EPILEPTIC ENCEPHALOPATHY 42A; EPILEPTIC ENCEPHALOPATHY, EARLY INFANTILE, 42A. Identifiers: MedGen C4310716, MONDO:0014917, OMIM 617106.

Submission:

Labcorp Genetics (formerly Invitae), Labcorp
Classification: Uncertain significance for Developmental and epileptic encephalopathy, 42; Episodic ataxia type 2. Last evaluated: 2025-04-26. Review status: criteria provided, single submitter. Criteria: Invitae Variant Classification Sherloc (09022015). Collection method: clinical testing. Allele origin: germline.
Comment: This sequence change replaces glycine, which is neutral and non-polar, with aspartic acid, which is acidic and polar, at codon 996 of the CACNA1A protein (p.Gly996Asp). This variant is not present in population databases (gnomAD no frequency). This variant has not been reported in the literature in individuals affected with CACNA1A-related conditions. Invitae Evidence Modeling of protein sequence and biophysical properties (such as structural, functional, and spatial information, amino acid conservation, physicochemical variation, residue mobility, and thermodynamic stability) indicates that this missense variant is not expected to disrupt CACNA1A protein function with a negative predictive value of 95%. In summary, the available evidence is currently insufficient to determine the role of this variant in disease. Therefore, it has been classified as a Variant of Uncertain Significance.

NM_001127222.2(CACNA1A):c.2984G>A (p.Gly995Asp)

Gene: CACNA1A (calcium voltage-gated channel subunit alpha1 A; minus strand). Cytogenetic location: 19p13.13.
Variant type: single nucleotide variant.
Coding change: c.2984G>A on transcript NM_001127222.2 (MANE Select); coding-DNA position 2984, G replaced by A.
Protein change: p.Gly995Asp; replaces glycine 995 with aspartic acid.
Molecular consequence: missense variant.
Genome position (GRCh38, 1-based): chr19:13,298,649, C>T on the plus strand (G>A on the coding strand, the complement: CACNA1A is on the minus strand). VCF-style: chr19-13298649-C-T. GRCh37 (hg19) VCF-style: chr19-13409463-C-T.
Other names: c.2996G>A, p.Gly999Asp (NM_000068.4, NM_023035.3); c.2987G>A, p.Gly996Asp (NM_001127221.2, NM_001174080.2); short protein forms G999D, G995D, G996D.
Identifiers: ClinVar variation 4790991 (VCV004790991.1).
Genomic context (GRCh38, chr19:13,298,649, plus strand): 5'-CCCTCGTACGTGGCTGGAGCGCCATGCCGGTGCCTTCTCCTGCGCTCGCCCCCGTCGGGG[C>T]CCTCGCCCTCGCCCTCGCCGCCCCGGGCCGGCCGGCTGCCCTCGCGGTGCCGCGCCCTCC-3'
Protein context (NP_001120694.1, residues 985-1005): PARGGEGEGE[Gly995Asp]PDGGERRRRH